The following is an entry in ClinVar:

NM_000557.5(GDF5):c.-39C>T

Genes: GDF5 (growth differentiation factor 5; minus strand), LOC109461476 (GDF5 promoter region; plus strand). Cytogenetic location: 20q11.22.
Variant type: single nucleotide variant.
Coding change: c.-39C>T on transcript NM_000557.5 (MANE Select); 39 bases upstream of the start codon, C replaced by T.
Molecular consequence: 5 prime UTR variant.
Genome position (GRCh38, 1-based): chr20:35,437,967, G>A on the plus strand (C>T on the coding strand, the complement: GDF5 is on the minus strand). VCF-style: chr20-35437967-G-A. GRCh37 (hg19) VCF-style: chr20-34025747-G-A.
Other names: c.-39C>T (NM_001319138.2).
Identifiers: ClinVar variation 338325 (VCV000338325.5), dbSNP rs149907722, ClinGen allele CA9832453.

ClinVar aggregate classification (germline): Benign/Likely benign. Review status: criteria provided, single submitter (1 of 4 stars). 5 submissions from 1 submitter: Benign (2); Likely benign (3). Last evaluated 2018-01-13.

Conditions:
Brachydactyly. Also called: Brachydactyly syndrome; Brachydactyly (disease). Identifiers: MedGen C0221357, MONDO:0021004, HP:0001156.
Acromesomelic dysplasia 2B. Also called: DU PAN SYNDROME. Identifiers: Orphanet 2639, MedGen C1856738, MONDO:0009231, OMIM 228900.
Multiple synostoses syndrome 2 (SYNS2). Identifiers: Orphanet 3237, MedGen C1832708, MONDO:0012394, OMIM 610017.
Acromesomelic dysplasia 2C, Hunter-Thompson type. Also called: Acromesomelic dysplasia, Hunter-Thompson type. Identifiers: Orphanet 968, MedGen C2930970, MONDO:0008717, OMIM 201250.
Grebe syndrome. Also called: ACROMESOMELIC DYSPLASIA, GREBE TYPE; GREBE DYSPLASIA; ACROMESOMELIC DYSPLASIA 2A. Identifiers: Orphanet 2098, MedGen C0265260, MONDO:0008703, OMIM 200700.

Allele frequency attached by ClinVar (database versions not stated): gnomAD 0.00029; TOPMed 0.00037; 1000 Genomes Project 0.00080; 1000 Genomes Project 30x 0.00094.
gnomAD v4.1: 187 of 1,610,634 alleles (0.012%); highest among the groups gnomAD compares: East Asian, 0.32%; 2 homozygotes.

Submissions (5):

Illumina Laboratory Services, Illumina
Classification: Likely benign for Acromesomelic dysplasia 2C, Hunter-Thompson type. Last evaluated: 2018-01-13. Review status: criteria provided, single submitter. Criteria: ICSL Variant Classification Criteria 13 December 2019. Collection method: clinical testing. Allele origin: germline.
Comment: This variant was observed in the ICSL laboratory as part of a predisposition screen in an ostensibly healthy population. It had not been previously curated by ICSL or reported in the Human Gene Mutation Database (HGMD: prior to June 1st, 2018), and was therefore a candidate for classification through an automated scoring system. Utilizing variant allele frequency, disease prevalence and penetrance estimates, and inheritance mode, an automated score was calculated to assess if this variant is too frequent to cause the disease. Based on the score and internal cut-off values, a variant classified as likely benign is not then subjected to further curation. The score for this variant resulted in a classification of likely benign for this disease.

Illumina Laboratory Services, Illumina
Classification: Likely benign for Fibular hypoplasia and complex brachydactyly. Last evaluated: 2018-01-13. Review status: criteria provided, single submitter. Criteria: ICSL Variant Classification Criteria 13 December 2019. Collection method: clinical testing. Allele origin: germline.
Comment: the same text as in the submission from Illumina Laboratory Services, Illumina above.

Illumina Laboratory Services, Illumina
Classification: Benign for Brachydactyly. Last evaluated: 2018-01-13. Review status: criteria provided, single submitter. Criteria: ICSL Variant Classification Criteria 13 December 2019. Collection method: clinical testing. Allele origin: germline.
Comment: This variant was observed in the ICSL laboratory as part of a predisposition screen in an ostensibly healthy population. It had not been previously curated by ICSL or reported in the Human Gene Mutation Database (HGMD: prior to June 1st, 2018), and was therefore a candidate for classification through an automated scoring system. Utilizing variant allele frequency, disease prevalence and penetrance estimates, and inheritance mode, an automated score was calculated to assess if this variant is too frequent to cause the disease. Based on the score and internal cut-off values, a variant classified as benign is not then subjected to further curation. The score for this variant resulted in a classification of benign for this disease.

Illumina Laboratory Services, Illumina
Classification: Benign for Multiple synostoses syndrome 2. Last evaluated: 2018-01-13. Review status: criteria provided, single submitter. Criteria: ICSL Variant Classification Criteria 13 December 2019. Collection method: clinical testing. Allele origin: germline.
Comment: the same text as in the submission from Illumina Laboratory Services, Illumina above.

Illumina Laboratory Services, Illumina
Classification: Likely benign for Grebe syndrome. Last evaluated: 2018-01-13. Review status: criteria provided, single submitter. Criteria: ICSL Variant Classification Criteria 13 December 2019. Collection method: clinical testing. Allele origin: germline.
Comment: the same text as in the submission from Illumina Laboratory Services, Illumina above.